The following is an entry in ClinVar:

NM_003072.5(SMARCA4):c.4170+9T>C

Gene: SMARCA4 (SWI/SNF related BAF chromatin remodeling complex subunit ATPase 4; plus strand). Cytogenetic location: 19p13.2.
Variant type: single nucleotide variant.
Coding change: c.4170+9T>C on transcript NM_003072.5 (MANE Select); 9 bases into the intron after coding-DNA position 4170, T replaced by C.
Molecular consequence: intron variant.
Genome position (GRCh38, 1-based): chr19:11,035,141, T>C. VCF-style: chr19-11035141-T-C. GRCh37 (hg19) VCF-style: chr19-11145817-T-C.
Other names: c.4170+9T>C (NM_001128844.3, NM_001128849.3, NM_001387283.1); c.4071+9T>C (NM_001128847.4, NM_001374457.1, NM_001128845.2 and 2 more transcripts).
Identifiers: ClinVar variation 415151 (VCV000415151.17), dbSNP rs376165296, ClinGen allele CA9204599.

ClinVar aggregate classification (germline): Benign/Likely benign. Review status: criteria provided, multiple submitters, no conflicts (2 of 4 stars). 5 submissions from 5 submitters: Benign (2); Likely benign (2). 1 of the submissions does not count toward it. Last evaluated 2026-07-08.

Conditions:
SMARCA4-related disorder. Also called: SMARCA4-related condition.
Hereditary cancer-predisposing syndrome. Also called: Hereditary Cancer Syndrome; Hereditary neoplastic syndrome; Neoplastic Syndromes, Hereditary; Tumor predisposition. Identifiers: Orphanet 140162, MedGen C0027672, MeSH D009386, MONDO:0015356.
Rhabdoid tumor predisposition syndrome 2 (RTPS2). Identifiers: Orphanet 231108, Orphanet 69077, MedGen C2750074, MONDO:0013224, OMIM 613325.

Allele frequency attached by ClinVar (database versions not stated): ExAC 0.00010; gnomAD exomes 0.00005 and 0.00001; ESP Exome Variant Server 0.00015; 1000 Genomes Project 0.00020; TOPMed 0.00026; 1000 Genomes Project 30x 0.00016; gnomAD 0.00025.
gnomAD v4.1: 55 of 1,608,638 alleles (0.0034%); highest among the groups gnomAD compares: African/African-American, 0.063%; no homozygotes.

Submissions (5):

Myriad Genetics, Inc.
Classification: Likely benign for Rhabdoid tumor predisposition syndrome 2. Last evaluated: 2026-07-08. Review status: criteria provided, single submitter. Criteria: Myriad Autosomal Dominant, Autosomal Recessive and X-Linked Classification Criteria (2023). Collection method: clinical testing. Allele origin: unknown.
Comment: This variant is considered likely benign. This variant is intronic and is not expected to impact mRNA splicing.

Labcorp Genetics (formerly Invitae), Labcorp
Classification: Likely benign for Rhabdoid tumor predisposition syndrome 2. Last evaluated: 2026-01-27. Review status: criteria provided, single submitter. Criteria: Invitae Variant Classification Sherloc (09022015). Collection method: clinical testing. Allele origin: germline.

Quest Diagnostics Nichols Institute San Juan Capistrano
Classification: Benign. Last evaluated: 2022-12-06. Review status: criteria provided, single submitter. Criteria: Quest Diagnostics criteria. Collection method: clinical testing. Allele origin: unknown.

Sema4
Classification: Benign for Hereditary cancer-predisposing syndrome. Last evaluated: 2020-10-21. Review status: criteria provided, single submitter. Criteria: Sema4 Curation Guidelines. Collection method: curation. Allele origin: germline.

PreventionGenetics, part of Exact Sciences
Classification: Likely benign for SMARCA4-related condition. Last evaluated: 2020-01-23. Review status: no assertion criteria provided. Collection method: clinical testing. Allele origin: germline. Not counted in ClinVar's aggregate classification.
Comment: This variant is classified as likely benign based on ACMG/AMP sequence variant interpretation guidelines (Richards et al. 2015 PMID: 25741868, with internal and published modifications).